The following is an entry in ClinVar:

ClinVar aggregate classification (germline): Benign (1 of 4 stars; one submission).

Conditions:
Posterior column ataxia-retinitis pigmentosa syndrome (RETSNS). Also called: RETINOPATHY-SENSORY NEUROPATHY SYNDROME. Identifiers: Orphanet 88628, MedGen C1836916, MONDO:0012177, OMIM 609033.

Allele frequency attached by ClinVar (database versions not stated): TOPMed 0.01944; 1000 Genomes Project 0.01098; gnomAD 0.01962 and 0.01999.

Submission:

Illumina Laboratory Services, Illumina
Classification: Benign for Posterior column ataxia-retinitis pigmentosa syndrome. Last evaluated: 2018-01-13. Review status: criteria provided, single submitter. Criteria: ICSL Variant Classification Criteria 13 December 2019. Collection method: clinical testing. Allele origin: germline.
Comment: This variant was observed in the ICSL laboratory as part of a predisposition screen in an ostensibly healthy population. It had not been previously curated by ICSL or reported in the Human Gene Mutation Database (HGMD: prior to June 1st, 2018), and was therefore a candidate for classification through an automated scoring system. Utilizing variant allele frequency, disease prevalence and penetrance estimates, and inheritance mode, an automated score was calculated to assess if this variant is too frequent to cause the disease. Based on the score and internal cut-off values, a variant classified as benign is not then subjected to further curation. The score for this variant resulted in a classification of benign for this disease.

NM_014053.4(FLVCR1):c.*855T>C

Gene: FLVCR1 (FLVCR choline and heme transporter 1; plus strand). Cytogenetic location: 1q32.3.
Variant type: single nucleotide variant.
Coding change: c.*855T>C on transcript NM_014053.4 (MANE Select); 855 bases downstream of the stop codon, T replaced by C.
Molecular consequence: 3 prime UTR variant.
Genome position (GRCh38, 1-based): chr1:212,896,145, T>C. VCF-style: chr1-212896145-T-C. GRCh37 (hg19) VCF-style: chr1-213069487-T-C.
Identifiers: ClinVar variation 295347 (VCV000295347.5), dbSNP rs564661630, ClinGen allele CA10608981.